The following is an entry in ClinVar:

NM_000169.3(GLA):c.408T>G (p.Asp136Glu)

Genes: GLA (galactosidase alpha; minus strand), RPL36A-HNRNPH2 (RPL36A-HNRNPH2 readthrough; plus strand). Cytogenetic location: Xq22.1.
Variant type: single nucleotide variant.
Coding change: c.408T>G on transcript NM_000169.3 (MANE Select); coding-DNA position 408, T replaced by G.
Protein change: p.Asp136Glu; replaces aspartic acid 136 with glutamic acid.
Molecular consequence: missense variant. On other transcripts: non-coding transcript variant (3), intron variant (2).
Genome position (GRCh38, 1-based): chrX:101,401,771, A>C on the plus strand (T>G on the coding strand, the complement: GLA is on the minus strand). VCF-style: chrX-101401771-A-C. GRCh37 (hg19) VCF-style: chrX-100656759-A-C.
Other names: c.531T>G, p.Asp177Glu (NM_001406747.1, NM_001406749.1); c.408T>G, p.Asp136Glu (NM_001406748.1); c.300+6314A>C (NM_001199973.2); c.177+9949A>C (NM_001199974.2); short protein forms D136E, D177E.
Identifiers: ClinVar variation 4087363 (VCV004087363.2).

ClinVar aggregate classification (germline): Pathogenic (1 of 4 stars; one submission).

Conditions:
Fabry disease. Also called: ALPHA-GALACTOSIDASE A DEFICIENCY; ANDERSON-FABRY DISEASE; CERAMIDE TRIHEXOSIDASE DEFICIENCY; GLA DEFICIENCY; HEREDITARY DYSTOPIC LIPIDOSIS; Angiokeratoma corporis diffusum. Identifiers: Orphanet 324, MedGen C0002986, MONDO:0010526, OMIM 301500, HP:0001071. Disease mechanism: Fabry disease is due to inactivating mutations in the X-linked GLA gene resulting in deficiency of the enzyme Alpha Galactosidase-A., loss of function.

Submission:

Genomenon, Inc
Classification: Pathogenic for Fabry disease. Last evaluated: 2026-09-08. Review status: criteria provided, single submitter. Criteria: Genomenon Sequence Variant Interpretation Standards - Updated. Collection method: curation. Allele origin: germline. Affected: yes.
Comment: GLA p.Asp136Glu (c.408T>G) is a missense variant that changes the amino acid at codon 136 from Aspartic acid to Glutamic acid. This variant has been observed in at least one proband with clinical features consistent with Fabry disease (PMID:39609713). At least one functional study has demonstrated a substantial alteration in protein function relative to the wild-type (PMID:32023956;27657681;23935525). This variant is located in a mutational hotspot and/or important functional domain. It is absent or not present at a significant frequency in gnomAD. In silico models predict that this variant is possibly or probably damaging. In conclusion, we classify GLA p.Asp136Glu (c.408T>G) as a pathogenic variant.

Literature cited by the submitters: PubMed 39609713; PubMed 32023956; PubMed 27657681; PubMed 23935525.